The following is an entry in ClinVar:

NM_003242.6(TGFBR2):c.342A>G (p.Glu114=)

Gene: TGFBR2 (transforming growth factor beta receptor 2; plus strand). Cytogenetic location: 3p24.1.
Variant type: single nucleotide variant.
Coding change: c.342A>G on transcript NM_003242.6 (MANE Select); coding-DNA position 342, A replaced by G.
Protein change: p.Glu114=; no amino-acid change (glutamic acid 114 retained).
Molecular consequence: synonymous variant. On other transcripts: intron variant (2).
Genome position (GRCh38, 1-based): chr3:30,650,348, A>G. VCF-style: chr3-30650348-A-G. GRCh37 (hg19) VCF-style: chr3-30691840-A-G.
Other names: c.417A>G, p.Glu139= (NM_001024847.3, NM_001407126.1, NM_001407139.1); c.342A>G, p.Glu114= (NM_001407127.1, NM_001407130.1); c.369A>G, p.Glu123= (NM_001407128.1); c.237A>G, p.Glu79= (NM_001407129.1, NM_001407132.1, NM_001407133.1 and 3 more transcripts); c.170-21290A>G (NM_001407137.1); c.95-21290A>G (NM_001407138.1).
Identifiers: ClinVar variation 922847 (VCV000922847.4), dbSNP rs1698857092, ClinGen allele CA432917421.

ClinVar aggregate classification (germline): Conflicting classifications of pathogenicity. Review status: criteria provided, conflicting classifications (1 of 4 stars). 2 submissions from 2 submitters: Uncertain risk allele (1); Likely benign (1). Last evaluated 2019-07-26.

Conditions:
Diabetic retinopathy. Identifiers: MedGen C0011884, MONDO:0005266.
Familial thoracic aortic aneurysm and aortic dissection (TAAD). Also called: Thoracic aortic aneurysms and dissections. Identifiers: Orphanet 91387, MedGen C4707243, MONDO:0019625.

Submissions (2):

Color Diagnostics, LLC DBA Color Health
Classification: Likely benign for Familial thoracic aortic aneurysm and aortic dissection. Last evaluated: 2019-07-26. Review status: criteria provided, single submitter. Criteria: ACMG Guidelines, 2015. Collection method: clinical testing. Allele origin: germline.

Clinical Genomics, Uppaluri K&H Personalized Medicine Clinic
Classification: Uncertain risk allele for Diabetic retinopathy. Review status: criteria provided, single submitter. Criteria: K And H Uppaluri Personalized Medicine Clinic Variant Classification And Assertion Criteria Updated V 2. Collection method: research. Allele origin: unknown.
Comment: Potent mutations in TGFBR2 gene encodes the transforming growth factor that have been associated with angiogenesis and diabetic retinopathy. More clinical studies are needed for stronger association. However, more evidence is required to confer the association of this particular variant rs1698857092 with diabetic retinopathy.

Literature cited by the submitters: PubMed 30222965 (cited by Clinical Genomics, Uppaluri K&H Personalized Medicine Clinic); PubMed 28162229 (cited by Clinical Genomics, Uppaluri K&H Personalized Medicine Clinic); PubMed 34572573 (cited by Clinical Genomics, Uppaluri K&H Personalized Medicine Clinic).